The following is an entry in ClinVar:

ClinVar aggregate classification (germline): Pathogenic. Review status: criteria provided, multiple submitters, no conflicts (2 of 4 stars). 2 submissions from 2 submitters: Pathogenic (2). Last evaluated 2023-04-26.

Conditions:
Hereditary cancer-predisposing syndrome. Also called: Hereditary neoplastic syndrome; Neoplastic Syndromes, Hereditary; Tumor predisposition; Hereditary Cancer Syndrome. Identifiers: Orphanet 140162, MedGen C0027672, MeSH D009386, MONDO:0015356.
Microcephaly, normal intelligence and immunodeficiency (NBS). Also called: IMMUNODEFICIENCY, MICROCEPHALY, AND CHROMOSOMAL INSTABILITY; SEEMANOVA SYNDROME II; Nijmegen breakage syndrome; Microcephaly with normal intelligence immunodeficiency and lymphoreticular malignancies; Nonsyndromal microcephaly autosomal recessive with normal intelligence; Seemanova syndrome 2. Identifiers: Orphanet 647, MedGen C0398791, MONDO:0009623, OMIM 251260.

Submissions (2):

Ambry Genetics
Classification: Pathogenic for Hereditary cancer-predisposing syndrome. Last evaluated: 2023-04-26. Review status: criteria provided, single submitter. Criteria: Ambry Variant Classification Scheme 2023. Collection method: clinical testing. Allele origin: germline.
Comment: The c.1554dupA pathogenic mutation, located in coding exon 11 of the NBN gene, results from a duplication of A at nucleotide position 1554, causing a translational frameshift with a predicted alternate stop codon (p.D519Rfs*3). This alteration is expected to result in loss of function by premature protein truncation or nonsense-mediated mRNA decay. As such, this alteration is interpreted as a disease-causing mutation.

Labcorp Genetics (formerly Invitae), Labcorp
Classification: Pathogenic for Microcephaly, normal intelligence and immunodeficiency. Last evaluated: 2021-10-19. Review status: criteria provided, single submitter. Criteria: Invitae Variant Classification Sherloc (09022015). Collection method: clinical testing. Allele origin: germline.
Comment: ClinVar contains an entry for this variant (Variation ID: 483945). This variant has not been reported in the literature in individuals affected with NBN-related conditions. This variant is not present in population databases (gnomAD no frequency). This sequence change creates a premature translational stop signal (p.Asp519Argfs*3) in the NBN gene. It is expected to result in an absent or disrupted protein product. Loss-of-function variants in NBN are known to be pathogenic (PMID: 9590180, 16415040). For these reasons, this variant has been classified as Pathogenic.

Literature cited by the submitters: PubMed 9590180 (cited by Labcorp Genetics (formerly Invitae), Labcorp); PubMed 16415040 (cited by Labcorp Genetics (formerly Invitae), Labcorp).

NM_002485.5(NBN):c.1554dup (p.Asp519fs)

Gene: NBN (nibrin; minus strand). Cytogenetic location: 8q21.3.
Variant type: Duplication.
Coding change: c.1554dup on transcript NM_002485.5 (MANE Select); coding-DNA position 1554, one base duplicated (A; older notation c.1554dupA).
Protein change: p.Asp519fs; shifts the reading frame from aspartic acid 519.
Molecular consequence: frameshift variant.
Genome position (GRCh38, 1-based): chr8:89,953,535, T duplicated on the plus strand (A on the coding strand, the reverse complement: NBN is on the minus strand). VCF-style (leftmost placement, unchanged base first): chr8-89953534-C-CT. GRCh37 (hg19) VCF-style: chr8-90965762-C-CT.
Other names: c.1308dup, p.Asp437fs (NM_001024688.3); c.1554dupA (NM_002485.4); short protein forms D437fs, D519fs.
Identifiers: ClinVar variation 483945 (VCV000483945.13), dbSNP rs1554558423, ClinGen allele CA658657795.